The following is an entry in ClinVar:

ClinVar aggregate classification (germline): other (0 of 4 stars; one submission).

Conditions:
Familial colorectal cancer. Identifiers: MedGen CN280943, MONDO:0023113. Disease mechanism: loss of function.

Submission:

Systems Biology Platform Zhejiang California International NanoSystems Institute
Classification: other for Familial colorectal cancer. Review status: no assertion criteria provided. Collection method: not provided. Allele origin: unknown.
ClinVar note: Converted during submission from cancer to other.

NC_000005.10:g.112849163G>C

Variant type: single nucleotide variant.
Genome position: GRCh38 VCF-style: chr5-112849163-G-C. GRCh37 (hg19) VCF-style: chr5-112184860-G-C.
Identifiers: ClinVar variation 82648 (VCV000082648.3), dbSNP rs76832814, ClinGen allele CA250788.